The following is an entry in ClinVar:

NM_001876.4(CPT1A):c.1352+220A>G

Gene: CPT1A (carnitine palmitoyltransferase 1A; minus strand). Cytogenetic location: 11q13.3.
Variant type: single nucleotide variant.
Coding change: c.1352+220A>G on transcript NM_001876.4 (MANE Select); 220 bases into the intron after coding-DNA position 1352, A replaced by G.
Molecular consequence: intron variant.
Genome position (GRCh38, 1-based): chr11:68,781,551, T>C on the plus strand (A>G on the coding strand, the complement: CPT1A is on the minus strand). VCF-style: chr11-68781551-T-C. GRCh37 (hg19) VCF-style: chr11-68549019-T-C.
Other names: c.1352+220A>G (NM_001031847.3).
Identifiers: ClinVar variation 678064 (VCV000678064.1), dbSNP rs4261294, ClinGen allele CA223374149.

ClinVar aggregate classification (germline): Benign (1 of 4 stars; one submission).

Allele frequency attached by ClinVar (database versions not stated): 1000 Genomes Project 30x 0.88819; 1000 Genomes Project 0.88938; TOPMed 0.90964; gnomAD 0.91488 and 0.91564.
gnomAD v4.1: 139,311 of 152,206 alleles (92%); highest among the groups gnomAD compares: Non-Finnish European, 95%; 64,008 homozygotes.

Submission:

GeneDx
Classification: Benign. Last evaluated: 2018-06-14. Review status: criteria provided, single submitter. Criteria: GeneDx Variant Classification (06012015). Collection method: clinical testing. Allele origin: germline. Affected: yes.
Comment: This variant is considered likely benign or benign based on one or more of the following criteria: it is a conservative change, it occurs at a poorly conserved position in the protein, it is predicted to be benign by multiple in silico algorithms, and/or has population frequency not consistent with disease.